The following is an entry in ClinVar:

ClinVar aggregate classification (germline): Conflicting classifications of pathogenicity. Review status: criteria provided, conflicting classifications (1 of 4 stars). 9 submissions from 9 submitters: Pathogenic (2); Likely pathogenic (4); Uncertain significance (3). Last evaluated 2026-01-06.

Conditions:
Medium-chain acyl-coenzyme A dehydrogenase deficiency (ACADMD). Also called: Medium chain acyl-CoA dehydrogenase deficiency; MCADD; CARNITINE DEFICIENCY SECONDARY TO MEDIUM-CHAIN ACYL-CoA DEHYDROGENASE DEFICIENCY; ACADM DEFICIENCY; MCADH DEFICIENCY; MCAD Deficiency. Identifiers: Orphanet 42, MedGen C0220710, MONDO:0008721, OMIM 201450.

Allele frequency attached by ClinVar (database versions not stated): gnomAD exomes 0.00001 and 0.00002; ExAC 0.00003.
gnomAD v4.1: 15 of 1,613,992 alleles (0.00093%); highest among the groups gnomAD compares: Admixed American, 0.0033%; no homozygotes.

Submissions (9):

Labcorp Genetics (formerly Invitae), Labcorp
Classification: Pathogenic for Medium-chain acyl-coenzyme A dehydrogenase deficiency. Last evaluated: 2026-01-06. Review status: criteria provided, single submitter. Criteria: Invitae Variant Classification Sherloc (09022015). Collection method: clinical testing. Allele origin: germline.
Comment: This sequence change replaces arginine, which is basic and polar, with histidine, which is basic and polar, at codon 53 of the ACADM protein (p.Arg53His). This variant is present in population databases (rs754938068, gnomAD 0.01%). This missense change has been observed in individual(s) with MCAD deficiency (PMID: 22630369, 31033143; internal data). ClinVar contains an entry for this variant (Variation ID: 226066). Invitae Evidence Modeling of protein sequence and biophysical properties (such as structural, functional, and spatial information, amino acid conservation, physicochemical variation, residue mobility, and thermodynamic stability) indicates that this missense variant is not expected to disrupt ACADM protein function with a negative predictive value of 80%. Experimental studies have shown that this missense change affects ACADM function (PMID: 26947917). This variant disrupts the p.Arg53 amino acid residue in ACADM. Other variant(s) that disrupt this residue have been determined to be pathogenic (PMID: 8102510, 15832312, 16737882, 20434380, 22796001, 24623196). This suggests that this residue is clinically significant, and that variants that disrupt this residue are likely to be disease-causing. For these reasons, this variant has been classified as Pathogenic.

Natera, Inc.
Classification: Likely pathogenic for Medium Chain Acyl-CoA Dehydrogenase Deficiency. Last evaluated: 2025-11-14. Review status: criteria provided, single submitter. Criteria: Natera Variant Classification Schema (03/2026). Collection method: clinical testing. Allele origin: germline.
Comment: The c.158G>A variant in ACADM is a missense variant predicted to cause substitution of arginine to histidine at amino acid 53. This variant is rare in the general population with a frequency below the threshold expected for the associated phenotype(s). This variant has been observed in one or more individuals affected with the associated recessive disease, as either homozygous or compound heterozygous with a second variant (PMID: 31033143, 22630369, 40660651). A different variant at the same position has been determined to be Pathogenic or Likely Pathogenic. Given the available evidence, this variant is classified as Likely Pathogenic.

Myriad Genetics, Inc.
Classification: Likely pathogenic for Medium-chain acyl-coenzyme A dehydrogenase deficiency. Last evaluated: 2025-04-01. Review status: criteria provided, single submitter. Criteria: Myriad Autosomal Dominant, Autosomal Recessive and X-Linked Classification Criteria (2023). Collection method: clinical testing. Allele origin: unknown.
Comment: NM_000016.4(ACADM):c.158G>A(R53H) is a missense variant classified as likely pathogenic in the context of medium-chain acyl-CoA dehydrogenase deficiency. R53H has been observed in cases with relevant disease (PMID: 22630369, 31033143). Relevant functional assessments of this variant are not available in the literature. Internal structural analysis of the variant is supportive of pathogenicity. R53H has been observed in referenced population frequency databases. In summary, NM_000016.4(ACADM):c.158G>A(R53H) is a missense variant that has internal structural support for pathogenicity and has been observed more frequently in cases with the relevant disease than in healthy populations. Please note: this variant was assessed in the context of healthy population screening.

Genomic Medicine Center of Excellence, King Faisal Specialist Hospital and Research Centre
Classification: Uncertain significance for Medium-chain acyl-coenzyme A dehydrogenase deficiency. Last evaluated: 2024-03-26. Review status: criteria provided, single submitter. Criteria: ACMG Guidelines, 2015. Collection method: clinical testing. Allele origin: germline.

Women's Health and Genetics/Laboratory Corporation of America, LabCorp
Classification: Likely pathogenic for Medium-chain acyl-coenzyme A dehydrogenase deficiency. Last evaluated: 2023-09-22. Review status: criteria provided, single submitter. Criteria: LabCorp Variant Classification Summary - May 2015. Collection method: clinical testing. Allele origin: germline.
Comment: Variant summary: ACADM c.158G>A (p.Arg53His) results in a non-conservative amino acid change located in the Acyl-CoA dehydrogenase/oxidase, N-terminal domain (IPR013786) of the encoded protein sequence. Three of five in-silico tools predict a damaging effect of the variant on protein function. The variant allele was found at a frequency of 2.4e-05 in 251346 control chromosomes (gnomAD). c.158G>A has been reported in the literature in individuals affected with Medium Chain Acyl-CoA Dehydrogenase Deficiency (examples: Touw_2012, Li_2019). To our knowledge, no experimental evidence demonstrating an impact on protein function has been reported. A different variant affecting the same residue (p.Arg53Cys) has been classified pathogenic in ClinVar (CV ID 92258). The following publications have been ascertained in the context of this evaluation (PMID: 31012112, 31033143, 22630369). Three submitters have cited clinical-significance assessments for this variant to ClinVar after 2014 and classified the variant as pathogenic (n=1) and VUS (n=2). Based on the evidence outlined above, the variant was classified as likely pathogenic.

Baylor Genetics
Classification: Pathogenic for Medium-chain acyl-coenzyme A dehydrogenase deficiency. Last evaluated: 2023-07-02. Review status: criteria provided, single submitter. Criteria: ACMG Guidelines, 2015. Collection method: clinical testing. Allele origin: unknown.

GeneDx
Classification: Uncertain significance. Last evaluated: 2021-05-05. Review status: criteria provided, single submitter. Criteria: GeneDx Variant Classification Process June 2021. Collection method: clinical testing. Allele origin: germline. Affected: yes.
Comment: In silico analysis supports that this missense variant has a deleterious effect on protein structure/function; Not observed at a significant frequency in large population cohorts (Lek et al., 2016); This variant is associated with the following publications: (PMID: 31012112, 22630369, 31033143, 33841490)

ARUP Laboratories, Molecular Genetics and Genomics, ARUP Laboratories
Classification: Uncertain significance for Medium-chain acyl-coenzyme A dehydrogenase deficiency. Last evaluated: 2015-02-20. Review status: criteria provided, single submitter. Criteria: ACMG Guidelines, 2015. Collection method: clinical testing. Allele origin: germline. Inheritance: Autosomal recessive inheritance. Observed: 1 heterozygote.

Juno Genomics, Hangzhou Juno Genomics, Inc
Classification: Likely pathogenic for Medium-chain acyl-coenzyme A dehydrogenase deficiency. Review status: criteria provided, single submitter. Criteria: ACMG Guidelines, 2015. Collection method: clinical testing. Allele origin: germline.
Comment: Absent from controls (or at extremely low frequency if recessive) in Genome Aggregation Database.;Multiple lines of computational evidence support a deleterious effect on the gene or gene product.;For recessive disorders, detected in trans with a pathogenic variant.;Patient's phenotype or family history is highly specific for a disease with a single genetic etiology.;Novel missense change at an amino acid residue where a different missense change determined to be pathogenic has been seen before.

Literature cited by the submitters: PubMed 22630369 (cited by 4 submitters); PubMed 31033143 (cited by 4 submitters); PubMed 26947917 (cited by Labcorp Genetics (formerly Invitae), Labcorp); PubMed 8102510 (cited by Labcorp Genetics (formerly Invitae), Labcorp); PubMed 15832312 (cited by Labcorp Genetics (formerly Invitae), Labcorp); PubMed 16737882 (cited by Labcorp Genetics (formerly Invitae), Labcorp); PubMed 20434380 (cited by Labcorp Genetics (formerly Invitae), Labcorp); PubMed 22796001 (cited by Labcorp Genetics (formerly Invitae), Labcorp); PubMed 24623196 (cited by Labcorp Genetics (formerly Invitae), Labcorp); PubMed 40660651 (cited by Natera, Inc.); PubMed 31012112 (cited by Women's Health and Genetics/Laboratory Corporation of America, LabCorp).

NM_000016.6(ACADM):c.158G>A (p.Arg53His)

Gene: ACADM (acyl-CoA dehydrogenase medium chain; plus strand). Cytogenetic location: 1p31.1.
Variant type: single nucleotide variant.
Coding change: c.158G>A on transcript NM_000016.6 (MANE Select); coding-DNA position 158, G replaced by A.
Protein change: p.Arg53His; replaces arginine 53 with histidine.
Molecular consequence: missense variant. On other transcripts: 5 prime UTR variant (1).
Genome position (GRCh38, 1-based): chr1:75,732,683, G>A. VCF-style: chr1-75732683-G-A. GRCh37 (hg19) VCF-style: chr1-76198368-G-A.
Other names: c.158G>A (NM_000016.5); c.170G>A, p.Arg57His (NM_001127328.3); c.50G>A, p.Arg17His (NM_001286042.2); c.158G>A, p.Arg53His (NM_001286043.2); c.-228G>A (NM_001286044.2); short protein forms R53H, R57H, R17H.
Identifiers: ClinVar variation 226066 (VCV000226066.25), dbSNP rs754938068, ClinGen allele CA912976.